The following is an entry in ClinVar:

ClinVar aggregate classification (germline): Benign. Review status: criteria provided, multiple submitters, no conflicts (2 of 4 stars). 17 submissions from 14 submitters: Benign (12). 5 of the submissions do not count toward it. Last evaluated 2026-02-04.

Conditions:
Dilated cardiomyopathy 1G (CMD1G). Identifiers: Orphanet 154, MedGen C1858763, MONDO:0011400, OMIM 604145.
Autosomal recessive limb-girdle muscular dystrophy type 2J (LGMDR10). Also called: Limb-girdle muscular dystrophy, type 2J; MUSCULAR DYSTROPHY, LIMB-GIRDLE, AUTOSOMAL RECESSIVE 10. Identifiers: Orphanet 140922, MedGen C1837342, MONDO:0012127, OMIM 608807.
Early-onset myopathy with fatal cardiomyopathy (CMYO5). Also called: Salih Myopathy; CONGENITAL MYOPATHY 5 WITH CARDIOMYOPATHY. Identifiers: Orphanet 289377, MedGen C2673677, MONDO:0012714, OMIM 611705. Disease mechanism: loss of function.
Tibial muscular dystrophy (TMD). Also called: UDD MYOPATHY; Tibial muscular dystrophy, tardive; Udd Distal Myopathy – Tibial Muscular Dystrophy. Identifiers: Orphanet 609, MedGen C1838244, MONDO:0010870, OMIM 600334.
Myopathy, myofibrillar, 9, with early respiratory failure (MFM9). Also called: Hereditary myopathy with early respiratory failure; MYOPATHY, PROXIMAL, WITH EARLY RESPIRATORY MUSCLE INVOLVEMENT; Myopathy, distal, with early respiratory failure, autosomal dominant; EDSTROM MYOPATHY. Identifiers: Orphanet 178464, Orphanet 34521, MedGen C1863599, MONDO:0011362, OMIM 603689.

Allele frequency attached by ClinVar (database versions not stated): gnomAD exomes 0.01651 and 0.01972; ExAC 0.01722; 1000 Genomes Project 0.01078; 1000 Genomes Project 30x 0.01109; ESP Exome Variant Server 0.01691; gnomAD 0.01524 and 0.01518; TOPMed 0.01615.
gnomAD v4.1: 31,166 of 1,609,572 alleles (1.9%); highest among the groups gnomAD compares: Middle Eastern, 8.6%; 405 homozygotes.

Submissions (17):

Labcorp Genetics (formerly Invitae), Labcorp
Classification: Benign for Dilated cardiomyopathy 1G; Autosomal recessive limb-girdle muscular dystrophy type 2J. Last evaluated: 2026-02-04. Review status: criteria provided, single submitter. Criteria: Invitae Variant Classification Sherloc (09022015). Collection method: clinical testing. Allele origin: germline.

ARUP Laboratories, Molecular Genetics and Genomics, ARUP Laboratories
Classification: Benign. Last evaluated: 2025-07-28. Review status: criteria provided, single submitter. Criteria: ARUP Molecular Germline Variant Investigation Process 2024. Collection method: clinical testing. Allele origin: germline.

Blueprint Genetics
Classification: Benign. Last evaluated: 2024-11-26. Review status: criteria provided, single submitter. Criteria: ACMG Guidelines, 2015. Collection method: clinical testing. Allele origin: germline.

Genome-Nilou Lab
Classification: Benign for Autosomal recessive limb-girdle muscular dystrophy type 2J. Last evaluated: 2021-09-10. Review status: criteria provided, single submitter. Criteria: ACMG Guidelines, 2015. Collection method: clinical testing. Allele origin: germline. Affected: no.

Genome-Nilou Lab
Classification: Benign for Myopathy, myofibrillar, 9, with early respiratory failure. Last evaluated: 2021-09-10. Review status: criteria provided, single submitter. Criteria: ACMG Guidelines, 2015. Collection method: clinical testing. Allele origin: germline. Affected: no.

Genome-Nilou Lab
Classification: Benign for Early-onset myopathy with fatal cardiomyopathy. Last evaluated: 2021-09-10. Review status: criteria provided, single submitter. Criteria: ACMG Guidelines, 2015. Collection method: clinical testing. Allele origin: germline. Affected: no.

Genome-Nilou Lab
Classification: Benign for Tibial muscular dystrophy. Last evaluated: 2021-09-10. Review status: criteria provided, single submitter. Criteria: ACMG Guidelines, 2015. Collection method: clinical testing. Allele origin: germline. Affected: no.

Women's Health and Genetics/Laboratory Corporation of America, LabCorp
Classification: Benign. Last evaluated: 2020-01-06. Review status: criteria provided, single submitter. Criteria: LabCorp Variant Classification Summary - May 2015. Collection method: clinical testing. Allele origin: germline.

Mayo Clinic Laboratories, Mayo Clinic
Classification: Benign. Last evaluated: 2015-05-06. Review status: criteria provided, single submitter. Criteria: ACMG Guidelines, 2015. Collection method: clinical testing. Allele origin: germline. Observed: 34 variant alleles.

GeneDx
Classification: Benign. Last evaluated: 2012-10-31. Review status: criteria provided, single submitter. Criteria: GeneDx Variant Classification (06012015). Collection method: clinical testing. Allele origin: germline. Affected: yes.
Comment: This variant is considered likely benign or benign based on one or more of the following criteria: it is a conservative change, it occurs at a poorly conserved position in the protein, it is predicted to be benign by multiple in silico algorithms, and/or has population frequency not consistent with disease.

Breakthrough Genomics
Classification: Benign. Review status: criteria provided, single submitter. Criteria: ACMG Guidelines, 2015. Collection method: not provided. Allele origin: germline. Inheritance: Autosomal recessive inheritance. Affected: yes.

PreventionGenetics, part of Exact Sciences
Classification: Benign. Review status: criteria provided, single submitter. Criteria: ACMG Guidelines, 2015. Collection method: clinical testing. Allele origin: germline.

Clinical Genetics DNA and cytogenetics Diagnostics Lab, Erasmus MC, Erasmus Medical Center
Classification: Benign. Review status: no assertion criteria provided. Collection method: clinical testing. Allele origin: germline. Affected: yes. Study: VKGL Data-share Consensus. Not counted in ClinVar's aggregate classification.

Clinical Genetics, Academic Medical Center
Classification: Benign. Review status: no assertion criteria provided. Collection method: clinical testing. Allele origin: germline. Affected: yes. Study: VKGL Data-share Consensus. Not counted in ClinVar's aggregate classification.

Diagnostic Laboratory, Department of Genetics, University Medical Center Groningen
Classification: Likely benign. Review status: no assertion criteria provided. Collection method: clinical testing. Allele origin: germline. Affected: yes. Study: VKGL Data-share Consensus. Not counted in ClinVar's aggregate classification.

Joint Genome Diagnostic Labs from Nijmegen and Maastricht, Radboudumc and MUMC+
Classification: Benign. Review status: no assertion criteria provided. Collection method: clinical testing. Allele origin: germline. Affected: yes. Study: VKGL Data-share Consensus. Not counted in ClinVar's aggregate classification.

Laboratory of Diagnostic Genome Analysis, Leiden University Medical Center (LUMC)
Classification: Likely benign. Review status: no assertion criteria provided. Collection method: clinical testing. Allele origin: germline. Affected: yes. Study: VKGL Data-share Consensus. Not counted in ClinVar's aggregate classification.

NM_001267550.2(TTN):c.52706-17A>G

Genes: TTN (titin; minus strand), TTN-AS1 (TTN antisense RNA 1; plus strand), LOC126806425 (BRD4-independent group 4 enhancer GRCh37_chr2:179471933-179473132; plus strand). Cytogenetic location: 2q31.2.
Variant type: single nucleotide variant.
Coding change: c.52706-17A>G on transcript NM_001267550.2 (MANE Select); 17 bases into the intron before coding-DNA position 52706, A replaced by G.
Molecular consequence: intron variant.
Genome position (GRCh38, 1-based): chr2:178,608,098, T>C on the plus strand (A>G on the coding strand, the complement: TTN is on the minus strand). VCF-style: chr2-178608098-T-C. GRCh37 (hg19) VCF-style: chr2-179472825-T-C.
Other names: c.25511-17A>G (NM_003319.4); c.26087-17A>G (NM_133437.4); c.25886-17A>G (NM_133432.3); c.45002-17A>G (NM_133378.4); c.47783-17A>G (NM_001256850.1).
Identifiers: ClinVar variation 137796 (VCV000137796.39), dbSNP rs72646807, ClinGen allele CA291461.